The following is an entry in ClinVar:

ClinVar aggregate classification (germline): Conflicting classifications of pathogenicity. Review status: criteria provided, conflicting classifications (1 of 4 stars). 4 submissions from 4 submitters: Likely pathogenic (1); Uncertain significance (3). Last evaluated 2025-05-21.

Conditions:
Inborn genetic diseases. Identifiers: MedGen C0950123, MeSH D030342.
Intellectual disability-facial dysmorphism syndrome due to SETD5 haploinsufficiency (MRD23). Also called: Intellectual developmental disorder, autosomal dominant 23. Identifiers: Orphanet 404440, MedGen C3810406, MONDO:0014336, OMIM 615761.
Intellectual disability. Also called: intellectual disabilities; Intellectual developmental disorder; Intellectual functioning disability. Identifiers: MedGen C3714756, MeSH D008607, MONDO:0001071, HP:0001249.

gnomAD v4.1: 1 of 1,613,984 alleles (0.000062%); highest among the groups gnomAD compares: South Asian, 0.0011%; no homozygotes.

Submissions (4):

Institute of Human Genetics, University of Leipzig Medical Center
Classification: Likely pathogenic for Intellectual disability-facial dysmorphism syndrome due to SETD5 haploinsufficiency. Last evaluated: 2025-05-21. Review status: criteria provided, single submitter. Criteria: ACMG Guidelines, 2015. Collection method: clinical testing. Allele origin: de novo. Inheritance: Autosomal dominant inheritance. Affected: yes.
Comment: Criteria applied: BP1,PM2_SUP,PP3,PS2

Dasa
Classification: Uncertain significance. Last evaluated: 2025-02-20. Review status: criteria provided, single submitter. Criteria: DASA Assertion Criteria. Collection method: clinical testing. Allele origin: germline.
Comment: NM_001080517.3(SETD5):c.1895G>T (p.Arg632Leu) is a missense variant that results in the substitution of arginine with leucine. This variant is rare in population databases. Computational prediction algorithms are consistent with a deleterious effect. The currently available literature and clinical evidence are not sufficient to establish a definitive association between this variant and the reported condition. Therefore, this variant is classified as a variant of uncertain significance.

Ambry Genetics
Classification: Uncertain significance for Inborn genetic diseases. Last evaluated: 2023-06-01. Review status: criteria provided, single submitter. Criteria: Ambry Variant Classification Scheme 2023. Collection method: clinical testing. Allele origin: germline.

Diagnostic Laboratory, Strasbourg University Hospital
Classification: Uncertain significance for Intellectual disability. Last evaluated: 2020-04-20. Review status: criteria provided, single submitter. Criteria: ACMG Guidelines, 2015. Collection method: clinical testing. Allele origin: de novo. Inheritance: Autosomal dominant inheritance. Affected: yes. Observed: 1 heterozygote.

NM_001080517.3(SETD5):c.1895G>T (p.Arg632Leu)

Gene: SETD5 (SET domain containing 5; plus strand). Cytogenetic location: 3p25.3.
Variant type: single nucleotide variant.
Coding change: c.1895G>T on transcript NM_001080517.3 (MANE Select); coding-DNA position 1895, G replaced by T.
Protein change: p.Arg632Leu; replaces arginine 632 with leucine.
Molecular consequence: missense variant.
Genome position (GRCh38, 1-based): chr3:9,447,798, G>T. VCF-style: chr3-9447798-G-T. GRCh37 (hg19) VCF-style: chr3-9489482-G-T.
Other names: c.1601G>T, p.Arg534Leu (NM_001292043.2, NM_001349451.2); short protein forms R534L, R632L.
Identifiers: ClinVar variation 978946 (VCV000978946.7), dbSNP rs772791035, ClinGen allele CA351697377.